The following is an entry in ClinVar:

ClinVar aggregate classification (germline): Pathogenic (1 of 4 stars; one submission).

Submission:

Labcorp Genetics (formerly Invitae), Labcorp
Classification: Pathogenic. Last evaluated: 2024-12-20. Review status: criteria provided, single submitter. Criteria: Invitae Variant Classification Sherloc (09022015). Collection method: clinical testing. Allele origin: germline.
Comment: This sequence change creates a premature translational stop signal (p.Ile215Asnfs*2) in the OPA1 gene. It is expected to result in an absent or disrupted protein product. Loss-of-function variants in OPA1 are known to be pathogenic (PMID: 11440988, 20157015, 20952381, 25012220). This variant is not present in population databases (gnomAD no frequency). This variant has not been reported in the literature in individuals affected with OPA1-related conditions. For these reasons, this variant has been classified as Pathogenic.

Literature cited by the submitters: PubMed 11440988; PubMed 20157015; PubMed 20952381; PubMed 25012220.

NM_130837.3(OPA1):c.808dup (p.Ile270fs)

Gene: OPA1 (OPA1 mitochondrial dynamin like GTPase; plus strand). Cytogenetic location: 3q29.
Variant type: Duplication.
Coding change: c.808dup on transcript NM_130837.3 (MANE Select); coding-DNA position 808, one base duplicated (A; older notation c.808dupA).
Protein change: p.Ile270fs; shifts the reading frame from isoleucine 270.
Molecular consequence: frameshift variant.
Genome position (GRCh38, 1-based): chr3:193,631,630, A duplicated; the last of 4 consecutive A bases (chr3:193,631,627-193,631,630); duplicating any one gives the same sequence. VCF-style (leftmost placement, unchanged base first): chr3-193631626-G-GA. GRCh37 (hg19) VCF-style: chr3-193349415-G-GA.
Other names: c.274dup, p.Ile92fs (NM_001354663.2); c.271dup, p.Ile91fs (NM_001354664.2); c.643dup, p.Ile215fs (NM_015560.3); c.535dup, p.Ile179fs (NM_130831.3); c.589dup, p.Ile197fs (NM_130832.3); c.646dup, p.Ile216fs (NM_130833.3); c.697dup, p.Ile233fs (NM_130834.3); c.700dup, p.Ile234fs (NM_130835.3); and 1 more; short protein forms I215fs, I233fs, I234fs, I252fs, I270fs, I216fs, I91fs, I179fs.
Identifiers: ClinVar variation 3727696 (VCV003727696.2).